The following is an entry in ClinVar:

ClinVar aggregate classification (germline): Uncertain significance (1 of 4 stars; one submission).

Conditions:
Progressive sclerosing poliodystrophy (MTDPS4A). Also called: Mitochondrial DNA depletion syndrome 4A (Alpers type); ALPERS PROGRESSIVE INFANTILE POLIODYSTROPHY; NEURONAL DEGENERATION OF CHILDHOOD WITH LIVER DISEASE, PROGRESSIVE; Mitochondrial DNA Depletion Syndrome 4A; Alpers-Huttenlocher Syndrome (AHS); Alpers Syndrome. Identifiers: Orphanet 726, MedGen C0205710, MONDO:0008758, OMIM 203700.

Submission:

Labcorp Genetics (formerly Invitae), Labcorp
Classification: Uncertain significance for Progressive sclerosing poliodystrophy. Last evaluated: 2024-05-15. Review status: criteria provided, single submitter. Criteria: Invitae Variant Classification Sherloc (09022015). Collection method: clinical testing. Allele origin: germline.
Comment: This variant, c.1443_1445del, results in the deletion of 1 amino acid(s) of the POLG protein (p.Glu481del), but otherwise preserves the integrity of the reading frame. This variant is not present in population databases (gnomAD no frequency). This variant has not been reported in the literature in individuals affected with POLG-related conditions. Experimental studies and prediction algorithms are not available or were not evaluated, and the functional significance of this variant is currently unknown. In summary, the available evidence is currently insufficient to determine the role of this variant in disease. Therefore, it has been classified as a Variant of Uncertain Significance.

NM_002693.3(POLG):c.1440AGA[1] (p.Glu481del)

Gene: POLG (DNA polymerase gamma, catalytic subunit; minus strand). Cytogenetic location: 15q26.1.
Variant type: Microsatellite.
Coding change: c.1440AGA[1] on transcript NM_002693.3 (MANE Select); one copy of the 3-base unit AGA starting at c.1440; the reference has two copies in a row; one copy, 3 bases deleted.
Protein change: p.Glu481del; deletes glutamic acid 481.
Molecular consequence: inframe deletion.
Genome position (GRCh38, 1-based): chr15:89,327,052-89,327,054, TCT deleted on the plus strand (AGA on the coding strand, the reverse complement: POLG is on the minus strand); deleting any 3 consecutive bases within chr15:89,327,052-89,327,058 gives the same sequence; the position shown is the placement nearest the transcript's 3' end. VCF-style (leftmost placement, unchanged base first): chr15-89327051-GTCT-G. GRCh37 (hg19) VCF-style: chr15-89870282-GTCT-G.
Other names: c.1440AGA[1], p.Glu481del (NM_001126131.2); short protein forms E481del.
Identifiers: ClinVar variation 1466294 (VCV001466294.6), dbSNP rs2152066975, ClinGen allele CA2580612688.
Genomic context (GRCh38, chr15:89,327,051, plus strand): 5'-CTTCTTAGCTTTCTTCTGCTTAAATTCTTGCAGGTCCCACTCCAGGTCCCAGAGCCAGGG[GTCT>G]TCTTTGTACCTACAGAGCCAGTCCACTAGGGCAGGGCTAAGGCTAAGCCGAAGGCTAGGC-3'